The following is an entry in ClinVar:

NM_001270508.2(TNFAIP3):c.2093C>T (p.Ser698Leu)

Gene: TNFAIP3 (TNF alpha induced protein 3; plus strand). Cytogenetic location: 6q23.3.
Variant type: single nucleotide variant.
Coding change: c.2093C>T on transcript NM_001270508.2 (MANE Select); coding-DNA position 2093, C replaced by T.
Protein change: p.Ser698Leu; replaces serine 698 with leucine.
Molecular consequence: missense variant.
Genome position (GRCh38, 1-based): chr6:137,881,039, C>T. VCF-style: chr6-137881039-C-T. GRCh37 (hg19) VCF-style: chr6-138202176-C-T.
Other names: c.2093C>T, p.Ser698Leu (NM_001270507.2, NM_006290.4); short protein forms S698L.
Identifiers: ClinVar variation 3180176 (VCV003180176.3), dbSNP rs763346708, ClinGen allele CA4019798.
Genomic context (GRCh38, chr6:137,881,039, plus strand): 5'-AAATGTGAGCAATAGTTTCCTGACTTTTTAATGATCTGCCTGTTCTTTCCACTCAGAGAT[C>T]GAGCCAGCGCAGAGATGTGCCTCGAACCACACAAAGCACCTCAAGGCCCAAGTGCGCCCG-3'
Protein context (NP_001257437.1, residues 688-708): EAKRTEEQLR[Ser698Leu]SQRRDVPRTT

ClinVar aggregate classification (germline): Uncertain significance. Review status: criteria provided, multiple submitters, no conflicts (2 of 4 stars). 2 submissions from 2 submitters: Uncertain significance (2). Last evaluated 2024-12-24.

Conditions:
Inborn genetic diseases. Identifiers: MedGen C0950123, MeSH D030342.

Allele frequency attached by ClinVar (database versions not stated): TOPMed 0.00001; ExAC 0.00002.
gnomAD v4.1: 5 of 1,589,254 alleles (0.00031%); highest among the groups gnomAD compares: Non-Finnish European, 0.00034%; no homozygotes.

Submissions (2):

Labcorp Genetics (formerly Invitae), Labcorp
Classification: Uncertain significance. Last evaluated: 2024-12-24. Review status: criteria provided, single submitter. Criteria: Invitae Variant Classification Sherloc (09022015). Collection method: clinical testing. Allele origin: germline.
Comment: This sequence change replaces serine, which is neutral and polar, with leucine, which is neutral and non-polar, at codon 698 of the TNFAIP3 protein (p.Ser698Leu). This variant is present in population databases (rs763346708, gnomAD 0.006%). This variant has not been reported in the literature in individuals affected with TNFAIP3-related conditions. ClinVar contains an entry for this variant (Variation ID: 3180176). An algorithm developed to predict the effect of missense changes on protein structure and function (PolyPhen-2) suggests that this variant is likely to be tolerated. In summary, the available evidence is currently insufficient to determine the role of this variant in disease. Therefore, it has been classified as a Variant of Uncertain Significance.

Ambry Genetics
Classification: Uncertain significance for Inborn genetic diseases. Last evaluated: 2023-11-18. Review status: criteria provided, single submitter. Criteria: Ambry Variant Classification Scheme 2023. Collection method: clinical testing. Allele origin: germline.